The following is an entry in ClinVar:

NM_138694.4(PKHD1):c.1925C>T (p.Thr642Ile)

Gene: PKHD1 (PKHD1 ciliary IPT domain containing fibrocystin/polyductin; minus strand). Cytogenetic location: 6p12.2.
Variant type: single nucleotide variant.
Coding change: c.1925C>T on transcript NM_138694.4 (MANE Select); coding-DNA position 1925, C replaced by T.
Protein change: p.Thr642Ile; replaces threonine 642 with isoleucine.
Molecular consequence: missense variant.
Genome position (GRCh38, 1-based): chr6:52,054,077, G>A on the plus strand (C>T on the coding strand, the complement: PKHD1 is on the minus strand). VCF-style: chr6-52054077-G-A. GRCh37 (hg19) VCF-style: chr6-51918875-G-A.
Other names: c.1925C>T, p.Thr642Ile (NM_170724.3); short protein forms T642I.
Identifiers: ClinVar variation 167495 (VCV000167495.24), dbSNP rs138968608, ClinGen allele CA234584.
Genomic context (GRCh38, chr6:52,054,077, plus strand): 5'-GCCTCCCCACCGATTAGCTACCTCTCGGGGCTGGTCCTCGTGAGACTCCAGTCACAGGTG[G>A]TATTCTTTACCATGTTTTGAAAGCCGATTGTGAAGGACACAATCATCTTCAGGATCTTGT-3'
Protein context (NP_619639.3, residues 632-652): TIGFQNMVKN[Thr642Ile]TCDWSLTRTS

ClinVar aggregate classification (germline): Conflicting classifications of pathogenicity. Review status: criteria provided, conflicting classifications (1 of 4 stars). 8 submissions from 8 submitters: Uncertain significance (2); Likely benign (3). 3 of the submissions do not count toward it. Last evaluated 2026-01-26.

Conditions:
PKHD1-related disorder. Also called: PKHD1-related condition.
Inborn genetic diseases. Identifiers: MedGen C0950123, MeSH D030342.
Autosomal recessive polycystic kidney disease (ARPKD). Also called: AR polycystic kidney disease. Identifiers: Orphanet 731, Orphanet 8378, MedGen C0085548, MeSH D017044, MONDO:0009889.

Allele frequency attached by ClinVar (database versions not stated): 1000 Genomes Project 0.00100; gnomAD 0.00070; 1000 Genomes Project 30x 0.00078; ESP Exome Variant Server 0.00085; TOPMed 0.00087.

Submissions (8):

Labcorp Genetics (formerly Invitae), Labcorp
Classification: Likely benign for Autosomal recessive polycystic kidney disease. Last evaluated: 2026-01-26. Review status: criteria provided, single submitter. Criteria: Invitae Variant Classification Sherloc (09022015). Collection method: clinical testing. Allele origin: germline.

Blueprint Genetics
Classification: Likely benign. Last evaluated: 2023-07-20. Review status: criteria provided, single submitter. Criteria: ACMG Guidelines, 2015. Collection method: clinical testing. Allele origin: germline.

GeneDx
Classification: Uncertain significance. Last evaluated: 2022-03-18. Review status: criteria provided, single submitter. Criteria: GeneDx Variant Classification Process June 2021. Collection method: clinical testing. Allele origin: germline. Affected: yes.
Comment: In silico analysis supports that this missense variant does not alter protein structure/function; Has not been previously published as pathogenic or benign to our knowledge

Ambry Genetics
Classification: Likely benign for Inborn genetic diseases. Last evaluated: 2021-11-12. Review status: criteria provided, single submitter. Criteria: Ambry Variant Classification Scheme 2023. Collection method: clinical testing. Allele origin: germline.

Eurofins Ntd Llc (ga)
Classification: Uncertain significance. Last evaluated: 2018-07-16. Review status: criteria provided, single submitter. Criteria: EGL ClinVar v180209 classification definitions. Collection method: clinical testing. Allele origin: germline. Observed: 10 variant alleles, 10 heterozygotes.

Genetic Services Laboratory, University of Chicago
Classification: Uncertain significance. Last evaluated: 2022-08-26. Review status: no assertion criteria provided. Collection method: clinical testing. Allele origin: germline. Affected: no. Not counted in ClinVar's aggregate classification.
Comment: DNA sequence analysis of the PKHD1 gene demonstrated a sequence change, c.1925C>T, in exon 20 that results in an amino acid change, p.Thr642Ile. This sequence change does not appear to have been previously described in individuals with PKHD1-related disorders. This sequence change has been described in the gnomAD database with a frequency of 0.26% in the African subpopulation and 0.026% in the overall population (dbSNP rs138968608). The p.Thr642Ile change affects a poorly conserved amino acid residue located in a domain of the PKHD1 protein that is not known to be functional. The p.Thr642Ile substitution appears to be benign using several in-silico pathogenicity prediction tools (SIFT, PolyPhen2, Align GVGD, REVEL). Due to insufficient evidences and the lack of functional studies, the clinical significance of the p.Thr642Ile change remains unknown at this time.

PreventionGenetics, part of Exact Sciences
Classification: Likely benign for PKHD1-related condition. Last evaluated: 2022-02-07. Review status: no assertion criteria provided. Collection method: clinical testing. Allele origin: germline. Not counted in ClinVar's aggregate classification.
Comment: This variant is classified as likely benign based on ACMG/AMP sequence variant interpretation guidelines (Richards et al. 2015 PMID: 25741868, with internal and published modifications).

Natera, Inc.
Classification: Uncertain significance for Autosomal recessive polycystic kidney disease. Last evaluated: 2017-11-16. Review status: no assertion criteria provided. Collection method: clinical testing. Allele origin: germline. Not counted in ClinVar's aggregate classification.